The following is an entry in ClinVar:

ClinVar aggregate classification (germline): Pathogenic/Likely pathogenic. Review status: criteria provided, multiple submitters, no conflicts (2 of 4 stars). 3 submissions from 3 submitters: Pathogenic (2); Likely pathogenic (1). Last evaluated 2024-06-15.

Conditions:
Deficiency of acetyl-CoA acetyltransferase. Also called: MITOCHONDRIAL ACETOACETYL-CoA THIOLASE DEFICIENCY; Beta-ketothiolase deficiency; 3-KETOTHIOLASE DEFICIENCY; 3-OXOTHIOLASE DEFICIENCY. Identifiers: Orphanet 134, MedGen C1536500, MONDO:0008760, OMIM 203750. Disease mechanism: loss of function.

Submissions (3):

Fulgent Genetics
Classification: Likely pathogenic for Deficiency of acetyl-CoA acetyltransferase. Last evaluated: 2024-06-15. Review status: criteria provided, single submitter. Criteria: ACMG Guidelines, 2015. Collection method: clinical testing. Allele origin: germline.

Labcorp Genetics (formerly Invitae), Labcorp
Classification: Pathogenic for Deficiency of acetyl-CoA acetyltransferase. Last evaluated: 2023-05-23. Review status: criteria provided, single submitter. Criteria: Invitae Variant Classification Sherloc (09022015). Collection method: clinical testing. Allele origin: germline.
Comment: For these reasons, this variant has been classified as Pathogenic. ClinVar contains an entry for this variant (Variation ID: 666481). This sequence change creates a premature translational stop signal (p.Leu140Tyrfs*36) in the ACAT1 gene. It is expected to result in an absent or disrupted protein product. Loss-of-function variants in ACAT1 are known to be pathogenic (PMID: 7749408). This variant is not present in population databases (gnomAD no frequency). This premature translational stop signal has been observed in individual(s) with mitochondrial acetoacetyl-CoA thiolase deficiency (PMID: 28255778).

Department of Pediatrics, Gifu University
Classification: Pathogenic for Deficiency of acetyl-CoA acetyltransferase. Last evaluated: 2019-05-05. Review status: criteria provided, single submitter. Criteria: ACMG Guidelines, 2015. Collection method: literature only. Allele origin: germline. Affected: yes. Observed: 2 variant alleles.

Literature cited by the submitters: PubMed 7749408 (cited by Labcorp Genetics (formerly Invitae), Labcorp); PubMed 28255778 (cited by Labcorp Genetics (formerly Invitae), Labcorp); PubMed 31268215 (cited by Department of Pediatrics, Gifu University).

NM_000019.4(ACAT1):c.414_415del (p.Leu140fs)

Gene: ACAT1 (acetyl-CoA acetyltransferase 1; plus strand). Cytogenetic location: 11q22.3.
Variant type: Deletion.
Coding change: c.414_415del on transcript NM_000019.4 (MANE Select); coding-DNA positions 414 to 415, 2 bases deleted (AA; older notation c.414_415delAA).
Protein change: p.Leu140fs; shifts the reading frame from leucine 140.
Molecular consequence: frameshift variant.
Genome position (GRCh38, 1-based): chr11:108,135,221-108,135,222, AA deleted; deleting any 2 consecutive bases within chr11:108,135,220-108,135,222 gives the same sequence; the c. name uses the placement nearest the transcript's 3' end. VCF-style (leftmost placement, unchanged base first): chr11-108135219-CAA-C. GRCh37 (hg19) VCF-style: chr11-108005946-CAA-C.
Other names: short protein forms L140fs.
Identifiers: ClinVar variation 666481 (VCV000666481.11), dbSNP rs1591363800, ClinGen allele CA915947689.